The following is an entry in ClinVar:

NM_001148.6(ANK2):c.8078C>T (p.Ser2693Phe)

Gene: ANK2 (ankyrin 2; plus strand). Cytogenetic location: 4q26.
Variant type: single nucleotide variant.
Coding change: c.8078C>T on transcript NM_001148.6 (MANE Select); coding-DNA position 8078, C replaced by T.
Protein change: p.Ser2693Phe; replaces serine 2693 with phenylalanine.
Molecular consequence: missense variant. On other transcripts: intron variant (68).
Genome position (GRCh38, 1-based): chr4:113,356,696, C>T. VCF-style: chr4-113356696-C-T. GRCh37 (hg19) VCF-style: chr4-114277852-C-T.
Other names: c.7844C>T, p.Ser2615Phe (NM_001386142.1); c.4478C>T, p.Ser1493Phe (NM_001386166.1); c.8219C>T, p.Ser2740Phe (NM_001386174.1); c.8195C>T, p.Ser2732Phe (NM_001386175.1); c.4412-4127C>T (NM_001386186.2, NM_001386148.2); c.4214-4127C>T (NM_001354269.3); c.4292-4127C>T (NM_001386187.2); c.4253-4127C>T (NM_001386147.1); and 35 more; short protein forms S1493F, S2615F, S2693F, S2732F, S2740F.
Identifiers: ClinVar variation 1050276 (VCV001050276.7), dbSNP rs1455581919, ClinGen allele CA357932988.
Genomic context (GRCh38, chr4:113,356,696, plus strand): 5'-TTAAAAAAGGTGCTGACTCAGGCCTTTTACCAGAACCAGTGATTCGAGTACAACCTCCTT[C>T]TCCACTTCCATCAAGCATGGACTCCAATTCCAGTCCAGAAGAAGTACAATTCCAGCCTGT-3'
Protein context (NP_001139.3, residues 2683-2703): PEPVIRVQPP[Ser2693Phe]PLPSSMDSNS

ClinVar aggregate classification (germline): Uncertain significance. Review status: criteria provided, multiple submitters, no conflicts (2 of 4 stars). 3 submissions from 3 submitters: Uncertain significance (2). 1 of the submissions does not count toward it. Last evaluated 2023-11-22.

Conditions:
Long QT syndrome (LQTS). Identifiers: MedGen C0023976, MeSH D008133, MONDO:0002442. Disease mechanism: loss of function. Inheritance: Various modes of inheritance.

Allele frequency attached by ClinVar (database versions not stated): TOPMed below 0.00001; gnomAD 0.00001; gnomAD exomes 0.00001.
gnomAD v4.1: 12 of 1,614,036 alleles (0.00074%); highest among the groups gnomAD compares: South Asian, 0.0011%; no homozygotes.

Submissions (3):

Labcorp Genetics (formerly Invitae), Labcorp
Classification: Uncertain significance for Long QT syndrome. Last evaluated: 2023-11-22. Review status: criteria provided, single submitter. Criteria: Invitae Variant Classification Sherloc (09022015). Collection method: clinical testing. Allele origin: germline.
Comment: This sequence change replaces serine, which is neutral and polar, with phenylalanine, which is neutral and non-polar, at codon 2693 of the ANK2 protein (p.Ser2693Phe). This variant is not present in population databases (gnomAD no frequency). This variant has not been reported in the literature in individuals affected with ANK2-related conditions. ClinVar contains an entry for this variant (Variation ID: 1050276). An algorithm developed to predict the effect of missense changes on protein structure and function (PolyPhen-2) suggests that this variant is likely to be disruptive. In summary, the available evidence is currently insufficient to determine the role of this variant in disease. Therefore, it has been classified as a Variant of Uncertain Significance.

Blueprint Genetics
Classification: Uncertain significance. Last evaluated: 2022-07-29. Review status: criteria provided, single submitter. Criteria: ACMG Guidelines, 2015. Collection method: clinical testing. Allele origin: germline.

Department of Pathology and Laboratory Medicine, Sinai Health System
Classification: Uncertain significance. Review status: no assertion criteria provided. Collection method: clinical testing. Allele origin: unknown. Affected: yes. Study: The Canadian Open Genetics Repository (COGR). Not counted in ClinVar's aggregate classification.
Comment: The ANK2 p.Ser2693Phe variant was not identified in the literature nor was it identified in ClinVar or LOVD 3.0. The variant was identified in dbSNP (ID: rs1455581919) but was not identified in the following control databases: the 1000 Genomes Project, the NHLBI GO Exome Sequencing Project, the Exome Aggregation Consortium (August 8th 2016), or the Genome Aggregation Database (March 6, 2019, v2.1.1). The p.Ser2693 residue is conserved across mammals and other organisms, and three out of four computational analyses (SIFT, AlignGVGD, BLOSUM, MutationTaster) suggest that the variant may impact the protein; however, this information is not predictive enough to assume pathogenicity. The variant occurs outside of the splicing consensus sequence and in silico or computational prediction software programs (SpliceSiteFinder, MaxEntScan, NNSPLICE, GeneSplicer) do not predict a difference in splicing. In summary, based on the above information the clinical significance of this variant cannot be determined with certainty at this time. This variant is classified as a variant of uncertain significance.